The following is an entry in ClinVar:

ClinVar aggregate classification (germline): Uncertain significance (1 of 4 stars; one submission).

Conditions:
Hereditary cancer-predisposing syndrome. Also called: Neoplastic Syndromes, Hereditary; Tumor predisposition; Hereditary Cancer Syndrome; Hereditary neoplastic syndrome. Identifiers: Orphanet 140162, MedGen C0027672, MeSH D009386, MONDO:0015356.

Submission:

Ambry Genetics
Classification: Uncertain significance for Hereditary cancer-predisposing syndrome. Last evaluated: 2022-06-29. Review status: criteria provided, single submitter. Criteria: Ambry Variant Classification Scheme 2023. Collection method: clinical testing. Allele origin: germline.
Comment: The p.S417C variant (also known as c.1250C>G), located in coding exon 4 of the PALB2 gene, results from a C to G substitution at nucleotide position 1250. The serine at codon 417 is replaced by cysteine, an amino acid with dissimilar properties. This amino acid position is conserved. In addition, the in silico prediction for this alteration is inconclusive. Since supporting evidence is limited at this time, the clinical significance of this alteration remains unclear.

NM_024675.4(PALB2):c.1250C>G (p.Ser417Cys)

Gene: PALB2 (partner and localizer of BRCA2; minus strand). Cytogenetic location: 16p12.2.
Variant type: single nucleotide variant.
Coding change: c.1250C>G on transcript NM_024675.4 (MANE Select); coding-DNA position 1250, C replaced by G.
Protein change: p.Ser417Cys; replaces serine 417 with cysteine.
Molecular consequence: missense variant.
Genome position (GRCh38, 1-based): chr16:23,635,296, G>C on the plus strand (C>G on the coding strand, the complement: PALB2 is on the minus strand). VCF-style: chr16-23635296-G-C. GRCh37 (hg19) VCF-style: chr16-23646617-G-C.
Other names: c.1190C>G, p.Ser397Cys (NM_001407296.1); c.1250C>G, p.Ser417Cys (NM_001407297.1, NM_001407298.1, NM_001407299.1 and 3 more transcripts); c.365C>G, p.Ser122Cys (NM_001407304.1, NM_001407305.1, NM_001407306.1 and 5 more transcripts); short protein forms S122C, S417C, S397C.
Identifiers: ClinVar variation 1760632 (VCV001760632.2), dbSNP rs45510998, ClinGen allele CA395132886.